The following is an entry in ClinVar:

ClinVar aggregate classification (germline): Pathogenic (0 of 4 stars; one submission).

Conditions:
Familial cardiomyopathy. Identifiers: MedGen C0264789, MONDO:0005217.

Submission:

Evolutionary and Medical Genetics Laboratory,  Centre for Cellular and Molecular Biology
Classification: Pathogenic. Review status: no assertion criteria provided. Collection method: not provided. Allele origin: unknown.
Comment: Missense mutation/Non-synonymous
ClinVar note: Converted during submission from pathogenic to Pathogenic.

NM_000257.4(MYH7):c.2051T>G (p.Met684Arg)

Gene: MYH7 (myosin heavy chain 7; minus strand). Cytogenetic location: 14q11.2.
Variant type: single nucleotide variant.
Coding change: c.2051T>G on transcript NM_000257.4 (MANE Select); coding-DNA position 2051, T replaced by G.
Protein change: p.Met684Arg; replaces methionine 684 with arginine.
Molecular consequence: missense variant.
Genome position (GRCh38, 1-based): chr14:23,426,075, A>C on the plus strand (T>G on the coding strand, the complement: MYH7 is on the minus strand). VCF-style: chr14-23426075-A-C. GRCh37 (hg19) VCF-style: chr14-23895284-A-C.
Other names: short protein forms M684R.
Identifiers: ClinVar variation 132916 (VCV000132916.2), dbSNP rs606231332, ClinGen allele CA011611.
Genomic context (GRCh38, chr14:23,426,075, plus strand): 5'-ATGCGGATGCCCTCCAGCACACCATTGCAGCGCAGCTGGTGCATGACCAGGGGGTTGTCC[A>C]TCACCCCTGTGGCAAGAAGGAAGTAGGAGGAGTCTGTGAGAACACTGGACTGAAGTTCTG-3'
Protein context (NP_000248.2, residues 674-694): IPNETKSPGV[Met684Arg]DNPLVMHQLR